The following is an entry in ClinVar:

NM_016507.4(CDK12):c.3585G>A (p.Thr1195=)

Gene: CDK12 (cyclin dependent kinase 12; plus strand). Cytogenetic location: 17q12.
Variant type: single nucleotide variant.
Coding change: c.3585G>A on transcript NM_016507.4 (MANE Select); coding-DNA position 3585, G replaced by A.
Protein change: p.Thr1195=; no amino-acid change (threonine 1195 retained).
Molecular consequence: synonymous variant.
Genome position (GRCh38, 1-based): chr17:39,526,141, G>A. VCF-style: chr17-39526141-G-A. GRCh37 (hg19) VCF-style: chr17-37682394-G-A.
Other names: c.3585G>A, p.Thr1195= (NM_015083.4).
Identifiers: ClinVar variation 3489163 (VCV003489163.2).

ClinVar aggregate classification (germline): Likely benign. Review status: criteria provided, multiple submitters, no conflicts (2 of 4 stars). 2 submissions from 2 submitters: Likely benign (2). Last evaluated 2026-07-01.

gnomAD v4.1: 655 of 1,614,166 alleles (0.041%); highest among the groups gnomAD compares: Middle Eastern, 0.76%; 1 homozygote.

Submissions (2):

CeGaT Center for Human Genetics Tuebingen
Classification: Likely benign. Last evaluated: 2026-07-01. Review status: criteria provided, single submitter. Criteria: CeGaT Center For Human Genetics Tuebingen Variant Classification Criteria Version 2. Collection method: clinical testing. Allele origin: germline. Affected: yes. Observed: 1 variant allele.
Comment: CDK12: BP4, BP7

Ambry Genetics
Classification: Likely benign. Last evaluated: 2024-10-02. Review status: criteria provided, single submitter. Criteria: Ambry Variant Classification Scheme 2023. Collection method: clinical testing. Allele origin: germline.